The following is an entry in ClinVar:

NM_001022.4(RPS19):c.320T>G (p.Leu107Arg)

Genes: RPS19 (ribosomal protein S19; plus strand), RPS19-CD79A (RPS19-CD79A readthrough; plus strand). Cytogenetic location: 19q13.2.
Variant type: single nucleotide variant.
Coding change: c.320T>G on transcript NM_001022.4 (MANE Select); coding-DNA position 320, T replaced by G.
Protein change: p.Leu107Arg; replaces leucine 107 with arginine.
Molecular consequence: missense variant. On other transcripts: synonymous variant (1).
Genome position (GRCh38, 1-based): chr19:41,869,178, T>G. VCF-style: chr19-41869178-T-G. GRCh37 (hg19) VCF-style: chr19-42373248-T-G.
Other names: c.320T>G, p.Leu107Arg (NM_001321483.2, NM_001321484.2); c.333T>G, p.Pro111= (NM_001321485.2); short protein forms L107R.
Identifiers: ClinVar variation 3723591 (VCV003723591.2).
Genomic context (GRCh38, chr19:41,869,178, plus strand): 5'-TCATGCCCAGCCACTTCAGCCGAGGCTCCAAGAGTGTGGCCCGCCGGGTCCTCCAAGCCC[T>G]GGAGGGGCTGAAAATGGTGGAAAAGGACCAAGATGGGTAAGCAGGGTAGAGGGGGCTGCA-3'
Protein context (NP_001013.1, residues 97-117): KSVARRVLQA[Leu107Arg]EGLKMVEKDQ

ClinVar aggregate classification (germline): Uncertain significance (1 of 4 stars; one submission).

Conditions:
Diamond-Blackfan anemia. Also called: Blackfan Diamond syndrome; Aregenerative anemia chronic congenital; Red cell aplasia, pure hereditary; Congenital hypoplastic anemia; Aase syndrome. Identifiers: Orphanet 124, MedGen C1260899, MeSH D029503, MONDO:0015253, HP:0004810.

Submission:

Labcorp Genetics (formerly Invitae), Labcorp
Classification: Uncertain significance for Diamond-Blackfan anemia. Last evaluated: 2024-05-27. Review status: criteria provided, single submitter. Criteria: Invitae Variant Classification Sherloc (09022015). Collection method: clinical testing. Allele origin: germline.
Comment: This sequence change replaces leucine, which is neutral and non-polar, with arginine, which is basic and polar, at codon 107 of the RPS19 protein (p.Leu107Arg). This variant is not present in population databases (gnomAD no frequency). This missense change has been observed in individual(s) with Diamond-Blackfan anemia (PMID: 20960466). An algorithm developed to predict the effect of missense changes on protein structure and function (PolyPhen-2) suggests that this variant is likely to be disruptive. In summary, the available evidence is currently insufficient to determine the role of this variant in disease. Therefore, it has been classified as a Variant of Uncertain Significance.

Literature cited by the submitters: PubMed 20960466.